The following is an entry in ClinVar:

ClinVar aggregate classification (germline): Uncertain significance (1 of 4 stars; one submission).

Submission:

Labcorp Genetics (formerly Invitae), Labcorp
Classification: Uncertain significance. Last evaluated: 2022-09-17. Review status: criteria provided, single submitter. Criteria: Invitae Variant Classification Sherloc (09022015). Collection method: clinical testing. Allele origin: germline.
Comment: In summary, the available evidence is currently insufficient to determine the role of this variant in disease. Therefore, it has been classified as a Variant of Uncertain Significance. Algorithms developed to predict the effect of missense changes on protein structure and function output the following: SIFT: "Tolerated"; PolyPhen-2: "Benign"; Align-GVGD: "Class C0". The tyrosine amino acid residue is found in multiple mammalian species, which suggests that this missense change does not adversely affect protein function. This variant has not been reported in the literature in individuals affected with VCAN-related conditions. This variant is not present in population databases (gnomAD no frequency). This sequence change replaces histidine, which is basic and polar, with tyrosine, which is neutral and polar, at codon 1982 of the VCAN protein (p.His1982Tyr).

NM_004385.5(VCAN):c.5944C>T (p.His1982Tyr)

Genes: VCAN (versican; plus strand), VCAN-AS1 (VCAN antisense RNA 1; minus strand). Cytogenetic location: 5q14.3.
Variant type: single nucleotide variant.
Coding change: c.5944C>T on transcript NM_004385.5 (MANE Select); coding-DNA position 5944, C replaced by T.
Protein change: p.His1982Tyr; replaces histidine 1982 with tyrosine.
Molecular consequence: missense variant. On other transcripts: intron variant (2).
Genome position (GRCh38, 1-based): chr5:83,538,947, C>T. VCF-style: chr5-83538947-C-T. GRCh37 (hg19) VCF-style: chr5-82834766-C-T.
Other names: c.2983C>T, p.His995Tyr (NM_001164097.2); c.4004-6590C>T (NM_001164098.2); c.1043-6590C>T (NM_001126336.3); short protein forms H1982Y, H995Y.
Identifiers: ClinVar variation 1719680 (VCV001719680.5), dbSNP rs2479110932, ClinGen allele CA360311495.